The following is an entry in ClinVar:

NM_017950.4(CCDC40):c.2815G>A (p.Glu939Lys)

Gene: CCDC40 (coiled-coil domain 40 molecular ruler complex subunit; plus strand). Cytogenetic location: 17q25.3.
Variant type: single nucleotide variant.
Coding change: c.2815G>A on transcript NM_017950.4 (MANE Select); coding-DNA position 2815, G replaced by A.
Protein change: p.Glu939Lys; replaces glutamic acid 939 with lysine.
Molecular consequence: missense variant.
Genome position (GRCh38, 1-based): chr17:80,089,867, G>A. VCF-style: chr17-80089867-G-A. GRCh37 (hg19) VCF-style: chr17-78063666-G-A.
Other names: c.2815G>A, p.Glu939Lys (NM_001243342.2); short protein forms E939K.
Identifiers: ClinVar variation 1987924 (VCV001987924.1), dbSNP rs750063649, ClinGen allele CA8814354.
Genomic context (GRCh38, chr17:80,089,867, plus strand): 5'-GAGATGCGTTCCTCAGTGGATTCCGAGATCGGCCAGACGGAGATCCGGGCCATGAAGGGC[G>A]AGATCCACAGGATGAAGGTGAGGGGAGGAGAGCGGCGTGGCAGGGCCTGCTGGGTGCCAG-3'
Protein context (NP_060420.2, residues 929-949): GQTEIRAMKG[Glu939Lys]IHRMKVRLGQ

ClinVar aggregate classification (germline): Uncertain significance (1 of 4 stars; one submission).

Conditions:
Primary ciliary dyskinesia. Also called: Ciliary dyskinesia. Identifiers: Orphanet 244, MedGen C0008780, MONDO:0016575, HP:0012265.

Allele frequency attached by ClinVar (database versions not stated): ExAC 0.00001; gnomAD 0.00001; gnomAD exomes 0.00001; TOPMed 0.00003.
gnomAD v4.1: 7 of 1,614,148 alleles (0.00043%); highest among the groups gnomAD compares: Admixed American, 0.0017%; no homozygotes.

Submission:

Labcorp Genetics (formerly Invitae), Labcorp
Classification: Uncertain significance for Primary ciliary dyskinesia. Last evaluated: 2022-06-23. Review status: criteria provided, single submitter. Criteria: Invitae Variant Classification Sherloc (09022015). Collection method: clinical testing. Allele origin: germline.
Comment: This sequence change replaces glutamic acid, which is acidic and polar, with lysine, which is basic and polar, at codon 939 of the CCDC40 protein (p.Glu939Lys). This variant is present in population databases (rs750063649, gnomAD 0.003%). This variant has not been reported in the literature in individuals affected with CCDC40-related conditions. Algorithms developed to predict the effect of missense changes on protein structure and function are either unavailable or do not agree on the potential impact of this missense change (SIFT: "Deleterious"; PolyPhen-2: "Probably Damaging"; Align-GVGD: "Class C0"). In summary, the available evidence is currently insufficient to determine the role of this variant in disease. Therefore, it has been classified as a Variant of Uncertain Significance.